The following is an entry in ClinVar:

NM_015192.4(PLCB1):c.3505A>G (p.Met1169Val)

Gene: PLCB1 (phospholipase C beta 1; plus strand). Cytogenetic location: 20p12.3.
Variant type: single nucleotide variant.
Coding change: c.3505A>G on transcript NM_015192.4 (MANE Select); coding-DNA position 3505, A replaced by G.
Protein change: p.Met1169Val; replaces methionine 1169 with valine.
Molecular consequence: missense variant. On other transcripts: 3 prime UTR variant (1).
Genome position (GRCh38, 1-based): chr20:8,881,703, A>G. VCF-style: chr20-8881703-A-G. GRCh37 (hg19) VCF-style: chr20-8862350-A-G.
Other names: c.3505A>G (NM_015192.2); c.*101A>G (NM_182734.3); short protein forms M1169V.
Identifiers: ClinVar variation 1056792 (VCV001056792.10), dbSNP rs766079031, ClinGen allele CA9760635.
Genomic context (GRCh38, chr20:8,881,703, plus strand): 5'-GAATACCAAGACAAATTCAAAAGACTGCCCCTCGAGATTTTGGAATTCGTGCAGGAAGCC[A>G]TGAAAGGAAAGATCAGTGAAGACAGCAATCACGGTTCTGCCCCTCTCTCCCTGTCCTCAG-3'
Protein context (NP_056007.1, residues 1159-1179): LEILEFVQEA[Met1169Val]KGKISEDSNH

ClinVar aggregate classification (germline): Uncertain significance. Review status: criteria provided, multiple submitters, no conflicts (2 of 4 stars). 2 submissions from 2 submitters: Uncertain significance (2). Last evaluated 2025-02-24.

Conditions:
Inborn genetic diseases. Identifiers: MedGen C0950123, MeSH D030342.
Developmental and epileptic encephalopathy, 12 (DEE12). Identifiers: MedGen C3150988, MONDO:0013389, OMIM 613722.

Allele frequency attached by ClinVar (database versions not stated): gnomAD exomes below 0.00001 and 0.00005; ExAC 0.00001; gnomAD 0.00001; TOPMed 0.00001.

Submissions (2):

Labcorp Genetics (formerly Invitae), Labcorp
Classification: Uncertain significance for Developmental and epileptic encephalopathy, 12. Last evaluated: 2025-02-24. Review status: criteria provided, single submitter. Criteria: Invitae Variant Classification Sherloc (09022015). Collection method: clinical testing. Allele origin: germline.
Comment: This sequence change replaces methionine, which is neutral and non-polar, with valine, which is neutral and non-polar, at codon 1169 of the PLCB1 protein (p.Met1169Val). This variant is present in population databases (rs766079031, gnomAD 0.0009%). This variant has not been reported in the literature in individuals affected with PLCB1-related conditions. ClinVar contains an entry for this variant (Variation ID: 1056792). An algorithm developed to predict the effect of missense changes on protein structure and function (PolyPhen-2) suggests that this variant is likely to be tolerated. In summary, the available evidence is currently insufficient to determine the role of this variant in disease. Therefore, it has been classified as a Variant of Uncertain Significance.

Ambry Genetics
Classification: Uncertain significance for Inborn genetic diseases. Last evaluated: 2024-03-28. Review status: criteria provided, single submitter. Criteria: Ambry Variant Classification Scheme 2023. Collection method: clinical testing. Allele origin: germline.